The following is an entry in ClinVar:

NM_001277313.2(FMN1):c.2044-2315C>T

Gene: FMN1 (formin 1; minus strand). Cytogenetic location: 15q13.3.
Variant type: single nucleotide variant.
Coding change: c.2044-2315C>T on transcript NM_001277313.2 (MANE Select); 2315 bases into the intron before coding-DNA position 2044, C replaced by T.
Molecular consequence: intron variant. On other transcripts: missense variant (1).
Genome position (GRCh38, 1-based): chr15:33,067,389, G>A on the plus strand (C>T on the coding strand, the complement: FMN1 is on the minus strand). VCF-style: chr15-33067389-G-A. GRCh37 (hg19) VCF-style: chr15-33359590-G-A.
Other names: c.496C>T, p.Pro166Ser (NM_001103184.4); short protein forms P166S.
Identifiers: ClinVar variation 2729655 (VCV002729655.3), dbSNP rs774988835, ClinGen allele CA7457339.

ClinVar aggregate classification (germline): Uncertain significance (1 of 4 stars; one submission).

Allele frequency attached by ClinVar (database versions not stated): TOPMed below 0.00001; gnomAD 0.00001; gnomAD exomes 0.00001; ExAC 0.00002.
gnomAD v4.1: 18 of 1,613,866 alleles (0.0011%); highest among the groups gnomAD compares: Middle Eastern, 0.16%; no homozygotes.

Submission:

Labcorp Genetics (formerly Invitae), Labcorp
Classification: Uncertain significance. Last evaluated: 2024-04-04. Review status: criteria provided, single submitter. Criteria: Invitae Variant Classification Sherloc (09022015). Collection method: clinical testing. Allele origin: germline.
Comment: This sequence change replaces proline, which is neutral and non-polar, with serine, which is neutral and polar, at codon 166 of the FMN1 protein (p.Pro166Ser). This variant is present in population databases (rs774988835, gnomAD 0.006%). This variant has not been reported in the literature in individuals affected with FMN1-related conditions. Experimental studies and prediction algorithms are not available or were not evaluated, and the functional significance of this variant is currently unknown. In summary, the available evidence is currently insufficient to determine the role of this variant in disease. Therefore, it has been classified as a Variant of Uncertain Significance.